The following is an entry in ClinVar:

NM_182914.3(SYNE2):c.14993T>G (p.Val4998Gly)

Gene: SYNE2 (spectrin repeat containing nuclear envelope protein 2; plus strand). Cytogenetic location: 14q23.2.
Variant type: single nucleotide variant.
Coding change: c.14993T>G on transcript NM_182914.3 (MANE Select); coding-DNA position 14993, T replaced by G.
Protein change: p.Val4998Gly; replaces valine 4998 with glycine.
Molecular consequence: missense variant.
Genome position (GRCh38, 1-based): chr14:64,141,357, T>G. VCF-style: chr14-64141357-T-G. GRCh37 (hg19) VCF-style: chr14-64608075-T-G.
Other names: c.14993T>G, p.Val4998Gly (NM_015180.6); c.14993T>G (NM_182914.2); short protein forms V4998G.
Identifiers: ClinVar variation 1428285 (VCV001428285.10), dbSNP rs1463128504, ClinGen allele CA389939943.

ClinVar aggregate classification (germline): Uncertain significance. Review status: criteria provided, multiple submitters, no conflicts (2 of 4 stars). 2 submissions from 2 submitters: Uncertain significance (2). Last evaluated 2022-06-27.

Conditions:
Emery-Dreifuss muscular dystrophy 5, autosomal dominant (EDMD5). Also called: EMERY-DREIFUSS MUSCULAR DYSTROPHY 5. Identifiers: Orphanet 261, MedGen C2751805, MONDO:0013072, OMIM 612999.

gnomAD v4.1: 1 of 1,613,184 alleles (0.000062%); highest among the groups gnomAD compares: Non-Finnish European, 0.000085%; no homozygotes.

Submissions (2):

Labcorp Genetics (formerly Invitae), Labcorp
Classification: Uncertain significance for Emery-Dreifuss muscular dystrophy 5, autosomal dominant. Last evaluated: 2022-06-27. Review status: criteria provided, single submitter. Criteria: Invitae Variant Classification Sherloc (09022015). Collection method: clinical testing. Allele origin: germline.
Comment: In summary, the available evidence is currently insufficient to determine the role of this variant in disease. Therefore, it has been classified as a Variant of Uncertain Significance. Algorithms developed to predict the effect of sequence changes on RNA splicing suggest that this variant may create or strengthen a splice site. Algorithms developed to predict the effect of missense changes on protein structure and function are either unavailable or do not agree on the potential impact of this missense change (SIFT: "Deleterious"; PolyPhen-2: "Possibly Damaging"; Align-GVGD: "Class C0"). This variant has not been reported in the literature in individuals affected with SYNE2-related conditions. This variant is not present in population databases (gnomAD no frequency). This sequence change replaces valine, which is neutral and non-polar, with glycine, which is neutral and non-polar, at codon 4998 of the SYNE2 protein (p.Val4998Gly).

Revvity Omics, Revvity
Classification: Uncertain significance for Emery-Dreifuss muscular dystrophy 5, autosomal dominant. Last evaluated: 2020-02-01. Review status: criteria provided, single submitter. Criteria: ACMG Guidelines, 2015. Collection method: clinical testing. Allele origin: germline.